The following is an entry in ClinVar:

ClinVar aggregate classification (germline): Pathogenic. Review status: criteria provided, multiple submitters, no conflicts (2 of 4 stars). 3 submissions from 3 submitters: Pathogenic (3). Last evaluated 2026-10-08.

Conditions:
OTOG-related disorder. Also called: OTOG-related condition.

Submissions (3):

GeneDx
Classification: Pathogenic. Last evaluated: 2026-10-08. Review status: criteria provided, single submitter. Criteria: GeneDx Variant Classification Process June 2021. Collection method: clinical testing. Allele origin: germline.
Comment: Frameshift variant predicted to result in protein truncation or nonsense mediated decay in a gene for which loss of function is a known mechanism of disease; This variant is associated with the following publications: (PMID: 34515852)

PreventionGenetics, part of Exact Sciences
Classification: Pathogenic for OTOG-related condition. Last evaluated: 2026-04-08. Review status: criteria provided, single submitter. Criteria: ACMG Guidelines, 2015. Collection method: clinical testing. Allele origin: germline.
Comment: The OTOG c.5021delG variant is predicted to result in a frameshift and premature protein termination (p.Gly1674Aspfs*7). This variant was reported along with a second likely causative variant in an individual with hearing loss (Supplemental table, Florentine et al. 2022. PubMed ID: 34515852). This variant is reported in 0.020% of alleles in individuals of Latino descent in gnomAD. Frameshift variants in OTOG are expected to be pathogenic. This variant is interpreted as pathogenic.

Labcorp Genetics (formerly Invitae), Labcorp
Classification: Pathogenic. Last evaluated: 2025-02-01. Review status: criteria provided, single submitter. Criteria: Invitae Variant Classification Sherloc (09022015). Collection method: clinical testing. Allele origin: germline.
Comment: This sequence change creates a premature translational stop signal (p.Gly1674Aspfs*7) in the OTOG gene. It is expected to result in an absent or disrupted protein product. Loss-of-function variants in OTOG are known to be pathogenic (PMID: 23122587). This variant is present in population databases (no rsID available, gnomAD 0.02%). This premature translational stop signal has been observed in individual(s) with deafness (PMID: 34515852). ClinVar contains an entry for this variant (Variation ID: 1220328). For these reasons, this variant has been classified as Pathogenic.

Literature cited by the submitters: PubMed 23122587 (cited by Labcorp Genetics (formerly Invitae), Labcorp); PubMed 34515852 (cited by Labcorp Genetics (formerly Invitae), Labcorp).

NM_001292063.2(OTOG):c.4985del (p.Gly1662fs)

Gene: OTOG (otogelin; plus strand). Cytogenetic location: 11p15.1.
Variant type: Deletion.
Coding change: c.4985del on transcript NM_001292063.2 (MANE Select); coding-DNA position 4985, one base deleted (G; older notation c.4985delG).
Protein change: p.Gly1662fs; shifts the reading frame from glycine 1662.
Molecular consequence: frameshift variant.
Genome position (GRCh38, 1-based): chr11:17,610,285, G deleted; the last of 3 consecutive G bases (chr11:17,610,283-17,610,285); deleting any one gives the same sequence. VCF-style (leftmost placement, unchanged base first): chr11-17610282-CG-C. GRCh37 (hg19) VCF-style: chr11-17631829-CG-C.
Other names: c.5021delG (NM_001277269.1); c.5021del, p.Gly1674fs (NM_001277269.2); short protein forms G1662fs, G1674fs.
Identifiers: ClinVar variation 1220328 (VCV001220328.13), dbSNP rs1565116526, ClinGen allele CA597904878.